The following is an entry in ClinVar:

NM_017721.5(CC2D1A):c.81C>T (p.Leu27=)

Gene: CC2D1A (coiled-coil and C2 domain containing 1A; plus strand). Cytogenetic location: 19p13.12.
Variant type: single nucleotide variant.
Coding change: c.81C>T on transcript NM_017721.5 (MANE Select); coding-DNA position 81, C replaced by T.
Protein change: p.Leu27=; no amino-acid change (leucine 27 retained).
Molecular consequence: synonymous variant.
Genome position (GRCh38, 1-based): chr19:13,909,843, C>T. VCF-style: chr19-13909843-C-T. GRCh37 (hg19) VCF-style: chr19-14020656-C-T.
Other names: c.81C>T (NM_017721.4); c.81C>T, p.Leu27= (NM_001411138.1).
Identifiers: ClinVar variation 2908625 (VCV002908625.19), dbSNP rs201404472, ClinGen allele CA9244171.

ClinVar aggregate classification (germline): Likely benign. Review status: criteria provided, multiple submitters, no conflicts (2 of 4 stars). 3 submissions from 3 submitters: Likely benign (2). 1 of the submissions does not count toward it. Last evaluated 2024-09-01.

Conditions:
CC2D1A-related disorder. Also called: CC2D1A-related condition.

Allele frequency attached by ClinVar (database versions not stated): TOPMed 0.00006; gnomAD 0.00009; ExAC 0.00013; gnomAD exomes 0.00018; ESP Exome Variant Server 0.00024.
gnomAD v4.1: 271 of 1,584,712 alleles (0.017%); highest among the groups gnomAD compares: Non-Finnish European, 0.023%; no homozygotes.

Submissions (3):

CeGaT Center for Human Genetics Tuebingen
Classification: Likely benign. Last evaluated: 2024-09-01. Review status: criteria provided, single submitter. Criteria: CeGaT Center For Human Genetics Tuebingen Variant Classification Criteria Version 2. Collection method: clinical testing. Allele origin: germline. Affected: yes. Observed: 1 variant allele.
Comment: CC2D1A: BP4, BP7

Labcorp Genetics (formerly Invitae), Labcorp
Classification: Likely benign. Last evaluated: 2024-02-21. Review status: criteria provided, single submitter. Criteria: Invitae Variant Classification Sherloc (09022015). Collection method: clinical testing. Allele origin: germline.

PreventionGenetics, part of Exact Sciences
Classification: Likely benign for CC2D1A-related condition. Last evaluated: 2023-12-11. Review status: no assertion criteria provided. Collection method: clinical testing. Allele origin: germline. Not counted in ClinVar's aggregate classification.
Comment: This variant is classified as likely benign based on ACMG/AMP sequence variant interpretation guidelines (Richards et al. 2015 PMID: 25741868, with internal and published modifications).